The following is an entry in ClinVar:

ClinVar aggregate classification (germline): Uncertain significance. Review status: criteria provided, multiple submitters, no conflicts (2 of 4 stars). 2 submissions from 2 submitters: Uncertain significance (2). Last evaluated 2025-01-20.

Allele frequency attached by ClinVar (database versions not stated): gnomAD 0.00001; TOPMed 0.00002; gnomAD exomes 0.00003; ExAC 0.00007.
gnomAD v4.1: 17 of 1,608,764 alleles (0.0011%); highest among the groups gnomAD compares: Admixed American, 0.029%; no homozygotes.

Submissions (2):

Labcorp Genetics (formerly Invitae), Labcorp
Classification: Uncertain significance. Last evaluated: 2025-01-20. Review status: criteria provided, single submitter. Criteria: Invitae Variant Classification Sherloc (09022015). Collection method: clinical testing. Allele origin: germline.
Comment: This sequence change replaces threonine, which is neutral and polar, with isoleucine, which is neutral and non-polar, at codon 161 of the STAT4 protein (p.Thr161Ile). This variant is present in population databases (rs775033600, gnomAD 0.04%), and has an allele count higher than expected for a pathogenic variant. This variant has not been reported in the literature in individuals affected with STAT4-related conditions. ClinVar contains an entry for this variant (Variation ID: 2892929). An algorithm developed to predict the effect of missense changes on protein structure and function (PolyPhen-2) suggests that this variant is likely to be tolerated. In summary, the available evidence is currently insufficient to determine the role of this variant in disease. Therefore, it has been classified as a Variant of Uncertain Significance.

Ambry Genetics
Classification: Uncertain significance. Last evaluated: 2024-05-30. Review status: criteria provided, single submitter. Criteria: Ambry Variant Classification Scheme 2023. Collection method: clinical testing. Allele origin: germline.

NM_003151.4(STAT4):c.482C>T (p.Thr161Ile)

Gene: STAT4 (signal transducer and activator of transcription 4; minus strand). Cytogenetic location: 2q32.2.
Variant type: single nucleotide variant.
Coding change: c.482C>T on transcript NM_003151.4 (MANE Select); coding-DNA position 482, C replaced by T.
Protein change: p.Thr161Ile; replaces threonine 161 with isoleucine.
Molecular consequence: missense variant.
Genome position (GRCh38, 1-based): chr2:191,069,755, G>A on the plus strand (C>T on the coding strand, the complement: STAT4 is on the minus strand). VCF-style: chr2-191069755-G-A. GRCh37 (hg19) VCF-style: chr2-191934481-G-A.
Other names: c.482C>T, p.Thr161Ile (NM_001243835.2); c.482C>T (NM_003151.3); short protein forms T161I.
Identifiers: ClinVar variation 2892929 (VCV002892929.4), dbSNP rs775033600, ClinGen allele CA2030867.